The following is an entry in ClinVar:

NM_015512.5(DNAH1):c.4120A>G (p.Met1374Val)

Gene: DNAH1 (dynein axonemal heavy chain 1; plus strand). Cytogenetic location: 3p21.1.
Variant type: single nucleotide variant.
Coding change: c.4120A>G on transcript NM_015512.5 (MANE Select); coding-DNA position 4120, A replaced by G.
Protein change: p.Met1374Val; replaces methionine 1374 with valine.
Molecular consequence: missense variant.
Genome position (GRCh38, 1-based): chr3:52,358,591, A>G. VCF-style: chr3-52358591-A-G. GRCh37 (hg19) VCF-style: chr3-52392607-A-G.
Other names: short protein forms M1374V.
Identifiers: ClinVar variation 2926071 (VCV002926071.3), dbSNP rs1483592051, ClinGen allele CA353125218.

ClinVar aggregate classification (germline): Uncertain significance (1 of 4 stars; one submission).

Conditions:
Spermatogenic failure 18. Identifiers: MedGen C4539783, MONDO:0054615, OMIM 617576.
Ciliary dyskinesia, primary, 37 (CILD37). Also called: CILIARY DYSKINESIA, PRIMARY, 37, WITH OR WITHOUT SITUS INVERSUS. Identifiers: MedGen C4539798, MONDO:0033204, OMIM 617577.

Allele frequency attached by ClinVar (database versions not stated): gnomAD exomes below 0.00001.

Submission:

Labcorp Genetics (formerly Invitae), Labcorp
Classification: Uncertain significance for Ciliary dyskinesia, primary, 37; Spermatogenic failure 18. Last evaluated: 2023-11-04. Review status: criteria provided, single submitter. Criteria: Invitae Variant Classification Sherloc (09022015). Collection method: clinical testing. Allele origin: germline.
Comment: This sequence change replaces methionine, which is neutral and non-polar, with valine, which is neutral and non-polar, at codon 1374 of the DNAH1 protein (p.Met1374Val). This variant is present in population databases (no rsID available, gnomAD 0.0009%). This variant has not been reported in the literature in individuals affected with DNAH1-related conditions. Advanced modeling of protein sequence and biophysical properties (such as structural, functional, and spatial information, amino acid conservation, physicochemical variation, residue mobility, and thermodynamic stability) performed at Invitae indicates that this missense variant is not expected to disrupt DNAH1 protein function with a negative predictive value of 80%. In summary, the available evidence is currently insufficient to determine the role of this variant in disease. Therefore, it has been classified as a Variant of Uncertain Significance.